The following is an entry in ClinVar:

ClinVar aggregate classification (germline): Pathogenic (1 of 4 stars; one submission).

Conditions:
COG5-congenital disorder of glycosylation. Also called: CONGENITAL DISORDER OF GLYCOSYLATION, TYPE IIi; COG5-CDG; CDG IIi. Identifiers: Orphanet 263487, MedGen C3150876, MONDO:0013325, OMIM 613612.

Submission:

Labcorp Genetics (formerly Invitae), Labcorp
Classification: Pathogenic for COG5-congenital disorder of glycosylation. Last evaluated: 2022-08-21. Review status: criteria provided, single submitter. Criteria: Invitae Variant Classification Sherloc (09022015). Collection method: clinical testing. Allele origin: germline.
Comment: For these reasons, this variant has been classified as Pathogenic. This variant has not been reported in the literature in individuals affected with COG5-related conditions. This variant is a gross deletion of the genomic region encompassing exon(s) 13-14 of the COG5 gene. This deletion is out-of-frame, and is expected to create a premature termination codon and result in an absent or disrupted protein product. Loss-of-function variants in COG5 are known to be pathogenic (PMID: 23228021).

Literature cited by the submitters: PubMed 23228021.

NC_000007.13:g.(?_106921725)_(106924197_?)del

Gene: COG5 (component of oligomeric golgi complex 5; minus strand). Cytogenetic location: 7q22.3.
Variant type: Deletion.
Identifiers: ClinVar variation 2425578 (VCV002425578.4).